The following is an entry in ClinVar:

NM_013266.4(CTNNA3):c.233A>G (p.Gln78Arg)

Gene: CTNNA3 (catenin alpha 3; minus strand). Cytogenetic location: 10q21.3.
Variant type: single nucleotide variant.
Coding change: c.233A>G on transcript NM_013266.4 (MANE Select); coding-DNA position 233, A replaced by G.
Protein change: p.Gln78Arg; replaces glutamine 78 with arginine.
Molecular consequence: missense variant.
Genome position (GRCh38, 1-based): chr10:67,606,916, T>C on the plus strand (A>G on the coding strand, the complement: CTNNA3 is on the minus strand). VCF-style: chr10-67606916-T-C. GRCh37 (hg19) VCF-style: chr10-69366674-T-C.
Other names: c.233A>G, p.Gln78Arg (NM_001127384.3); c.269A>G, p.Gln90Arg (NM_001291133.2); short protein forms Q78R, Q90R.
Identifiers: ClinVar variation 1720255 (VCV001720255.5), dbSNP rs2492217974, ClinGen allele CA377098196.
Genomic context (GRCh38, chr10:67,606,916, plus strand): 5'-CTTTCTTTGCGAACTTCCTCAAGTGAAGCCGTAAGCTCATCCTTTAAAACTGTAGCTTCC[T>C]GGGCAATCTTCTCTCCCTTGTCTAATAAATTCCAAGTTGCTTCCTCCACAGAAGCTAGAA-3'
Protein context (NP_037398.2, residues 68-88): NLLDKGEKIA[Gln78Arg]EATVLKDELT

ClinVar aggregate classification (germline): Uncertain significance (1 of 4 stars; one submission).

Conditions:
Arrhythmogenic right ventricular dysplasia 13. Also called: Arrhythmogenic right ventricular dysplasia, familial, 13; ARRHYTHMOGENIC RIGHT VENTRICULAR CARDIOMYOPATHY 13. Identifiers: MedGen C3810138, MONDO:0000908, OMIM 615616.

Submission:

Labcorp Genetics (formerly Invitae), Labcorp
Classification: Uncertain significance for Arrhythmogenic right ventricular dysplasia 13. Last evaluated: 2022-09-23. Review status: criteria provided, single submitter. Criteria: Invitae Variant Classification Sherloc (09022015). Collection method: clinical testing. Allele origin: germline.
Comment: This sequence change replaces glutamine, which is neutral and polar, with arginine, which is basic and polar, at codon 78 of the CTNNA3 protein (p.Gln78Arg). This variant is not present in population databases (gnomAD no frequency). This variant has not been reported in the literature in individuals affected with CTNNA3-related conditions. Advanced modeling of protein sequence and biophysical properties (such as structural, functional, and spatial information, amino acid conservation, physicochemical variation, residue mobility, and thermodynamic stability) performed at Invitae indicates that this missense variant is not expected to disrupt CTNNA3 protein function. In summary, the available evidence is currently insufficient to determine the role of this variant in disease. Therefore, it has been classified as a Variant of Uncertain Significance.